The following is an entry in ClinVar:

ClinVar aggregate classification (germline): Uncertain significance. Review status: criteria provided, multiple submitters, no conflicts (2 of 4 stars). 2 submissions from 2 submitters: Uncertain significance (2). Last evaluated 2025-04-03.

Conditions:
Hereditary cancer-predisposing syndrome. Also called: Neoplastic Syndromes, Hereditary; Hereditary Cancer Syndrome; Hereditary neoplastic syndrome; Tumor predisposition. Identifiers: Orphanet 140162, MedGen C0027672, MeSH D009386, MONDO:0015356.
Multiple endocrine neoplasia, type 2 (MEN2). Identifiers: Orphanet 653, MedGen C4048306, MONDO:0019003. Disease mechanism: gain of function.

Allele frequency attached by ClinVar (database versions not stated): gnomAD exomes below 0.00001.

Submissions (2):

Ambry Genetics
Classification: Uncertain significance for Hereditary cancer-predisposing syndrome. Last evaluated: 2025-04-03. Review status: criteria provided, single submitter. Criteria: Ambry Variant Classification Scheme 2023. Collection method: clinical testing. Allele origin: germline.
Comment: The p.R226C variant (also known as c.676C>T), located in coding exon 4 of the RET gene, results from a C to T substitution at nucleotide position 676. The arginine at codon 226 is replaced by cysteine, an amino acid with highly dissimilar properties. This amino acid position is poorly conserved in available vertebrate species. In addition, this alteration is predicted to be tolerated by in silico analysis. Since supporting evidence is limited at this time, the clinical significance of this alteration remains unclear.

Labcorp Genetics (formerly Invitae), Labcorp
Classification: Uncertain significance for Multiple endocrine neoplasia, type 2. Last evaluated: 2024-03-17. Review status: criteria provided, single submitter. Criteria: Invitae Variant Classification Sherloc (09022015). Collection method: clinical testing. Allele origin: germline.
Comment: This sequence change replaces arginine, which is basic and polar, with cysteine, which is neutral and slightly polar, at codon 226 of the RET protein (p.Arg226Cys). This variant is not present in population databases (gnomAD no frequency). This variant has not been reported in the literature in individuals affected with RET-related conditions. ClinVar contains an entry for this variant (Variation ID: 477381). An algorithm developed to predict the effect of missense changes on protein structure and function (PolyPhen-2) suggests that this variant is likely to be tolerated. In summary, the available evidence is currently insufficient to determine the role of this variant in disease. Therefore, it has been classified as a Variant of Uncertain Significance.

NM_020975.6(RET):c.676C>T (p.Arg226Cys)

Gene: RET (ret proto-oncogene; plus strand). Cytogenetic location: 10q11.21.
Variant type: single nucleotide variant.
Coding change: c.676C>T on transcript NM_020975.6 (MANE Select); coding-DNA position 676, C replaced by T.
Protein change: p.Arg226Cys; replaces arginine 226 with cysteine.
Molecular consequence: missense variant.
Genome position (GRCh38, 1-based): chr10:43,105,002, C>T. VCF-style: chr10-43105002-C-T. GRCh37 (hg19) VCF-style: chr10-43600450-C-T.
Other names: c.676C>T, p.Arg226Cys (NM_000323.2, NM_001406743.1, NM_001406744.1 and 8 more transcripts); c.-87C>T (NM_001355216.2); c.547C>T, p.Arg183Cys (NM_001406761.1, NM_001406762.1, NM_001406764.1 and 2 more transcripts); c.388C>T, p.Arg130Cys (NM_001406766.1, NM_001406767.1, NM_001406770.1); short protein forms R226C, R130C, R183C.
Identifiers: ClinVar variation 477381 (VCV000477381.13), dbSNP rs1455266037, ClinGen allele CA376544492.